The following is an entry in ClinVar:

ClinVar aggregate classification (germline): Likely pathogenic (0 of 4 stars; one submission).

Conditions:
Meckel syndrome, type 3 (MKS3). Also called: MECKEL-GRUBER SYNDROME, TYPE 3. Identifiers: Orphanet 564, MedGen C1846357, MONDO:0011821, OMIM 607361.

Submission:

Juha Muilu Group; Institute for Molecular Medicine Finland (FIMM)
Classification: Likely pathogenic for Meckel syndrome type 3. Review status: no assertion criteria provided. Collection method: not provided. Allele origin: unknown.
Comment: FinDis database variant: This variant was not found or characterized by our laboratory, data were collected from public sources: see reference
ClinVar note: Converted during submission from probable-pathogenic to Likely pathogenic.

NM_153704.6(TMEM67):c.1538_1539del (p.Thr512_Tyr513insTer)

Gene: TMEM67 (transmembrane protein 67; plus strand). Cytogenetic location: 8q22.1.
Variant type: Microsatellite.
Coding change: c.1538_1539del on transcript NM_153704.6 (MANE Select); coding-DNA positions 1538 to 1539, 2 bases deleted (AT; older notation c.1538_1539delAT).
Protein change: p.Thr512_Tyr513insTer.
Molecular consequence: nonsense. On other transcripts: non-coding transcript variant (1).
Genome position (GRCh38, 1-based): chr8:93,791,282-93,791,283, AT deleted; deleting any 2 consecutive bases within chr8:93,791,280-93,791,283 gives the same sequence; the c. name uses the placement nearest the transcript's 3' end. VCF-style (leftmost placement, unchanged base first): chr8-93791279-CAT-C. GRCh37 (hg19) VCF-style: chr8-94803507-CAT-C.
Other names: c.1295_1296del, p.Thr431_Tyr432insTer (NM_001142301.1); c.1538_1539delAT (NM_153704.5).
Identifiers: ClinVar variation 56768 (VCV000056768.2), dbSNP rs386834186, ClinGen allele CA144450.